The following is an entry in ClinVar:

ClinVar aggregate classification (germline): Uncertain significance. Review status: criteria provided, multiple submitters, no conflicts (2 of 4 stars). 5 submissions from 5 submitters: Uncertain significance (5). Last evaluated 2026-05-13.

Conditions:
NPHP1-related disorder. Also called: NPHP1-related disorders; NPHP1-related condition.
Nephronophthisis. Also called: Juvenile Nephronophthisis. Identifiers: Orphanet 655, MedGen C0687120, MONDO:0019005, HP:0000090.
Inborn genetic diseases. Identifiers: MedGen C0950123, MeSH D030342.
Senior-Loken syndrome 1 (SLSN1). Also called: JUVENILE NEPHRONOPHTHISIS WITH LEBER AMAUROSIS. Identifiers: Orphanet 3156, MedGen C4551559, MONDO:0009962, OMIM 266900.
Joubert syndrome with renal defect. Also called: JOUBERT SYNDROME 4. Identifiers: Orphanet 220497, MedGen C1846790, MONDO:0012308, OMIM 609583.
Nephronophthisis 1 (NPHP1). Also called: Nephronophthisis familial juvenile. Identifiers: Orphanet 655, Orphanet 93592, MedGen C1855681, MONDO:0009728, OMIM 256100.

Allele frequency attached by ClinVar (database versions not stated): ExAC 0.00001; gnomAD 0.00001; gnomAD exomes 0.00002 and 0.00003; TOPMed 0.00002.

Submissions (5):

PreventionGenetics, part of Exact Sciences
Classification: Uncertain significance for NPHP1-related condition. Last evaluated: 2026-05-13. Review status: criteria provided, single submitter. Criteria: ACMG Guidelines, 2015. Collection method: clinical testing. Allele origin: germline.
Comment: The NPHP1 c.2005C>T variant is predicted to result in the amino acid substitution p.Arg669Cys. This variant has been reported in a cohort of individuals with NPHP1-related disease; however, additional details were not provided to support pathogenicity (Leggatt et al. 2023. PubMed ID: 37296294). This variant is reported in 0.0062% of alleles in individuals of African descent in gnomAD. At this time, the clinical significance of this variant is uncertain due to the absence of conclusive functional and genetic evidence.

Ambry Genetics
Classification: Uncertain significance for Inborn genetic diseases. Last evaluated: 2025-08-13. Review status: criteria provided, single submitter. Criteria: Ambry Variant Classification Scheme 2023. Collection method: clinical testing. Allele origin: germline.

Fulgent Genetics
Classification: Uncertain significance for Nephronophthisis 1; Senior-Loken syndrome 1; Joubert syndrome with renal defect. Last evaluated: 2024-04-27. Review status: criteria provided, single submitter. Criteria: ACMG Guidelines, 2015. Collection method: clinical testing. Allele origin: germline.

Labcorp Genetics (formerly Invitae), Labcorp
Classification: Uncertain significance for Nephronophthisis. Last evaluated: 2021-09-01. Review status: criteria provided, single submitter. Criteria: Invitae Variant Classification Sherloc (09022015). Collection method: clinical testing. Allele origin: germline.
Comment: This sequence change replaces arginine with cysteine at codon 669 of the NPHP1 protein (p.Arg669Cys). The arginine residue is weakly conserved and there is a large physicochemical difference between arginine and cysteine. This variant is present in population databases (rs543675502, ExAC 0.001%). This variant has not been reported in the literature in individuals affected with NPHP1-related conditions. Algorithms developed to predict the effect of missense changes on protein structure and function are either unavailable or do not agree on the potential impact of this missense change (SIFT: "Tolerated"; PolyPhen-2: "Possibly Damaging"; Align-GVGD: "Class C0"). In summary, the available evidence is currently insufficient to determine the role of this variant in disease. Therefore, it has been classified as a Variant of Uncertain Significance.

Eurofins Ntd Llc (ga)
Classification: Uncertain significance. Last evaluated: 2017-02-27. Review status: criteria provided, single submitter. Criteria: EGL Classification Definitions 2015. Collection method: clinical testing. Allele origin: germline. Observed: 1 variant allele, 1 heterozygote.

NM_001128178.3(NPHP1):c.1837C>T (p.Arg613Cys)

Gene: NPHP1 (nephrocystin 1; minus strand). Cytogenetic location: 2q13.
Variant type: single nucleotide variant.
Coding change: c.1837C>T on transcript NM_001128178.3 (MANE Select); coding-DNA position 1837, C replaced by T.
Protein change: p.Arg613Cys; replaces arginine 613 with cysteine.
Molecular consequence: missense variant. On other transcripts: 3 prime UTR variant (1).
Genome position (GRCh38, 1-based): chr2:110,123,988, G>A on the plus strand (C>T on the coding strand, the complement: NPHP1 is on the minus strand). VCF-style: chr2-110123988-G-A. GRCh37 (hg19) VCF-style: chr2-110881565-G-A.
Other names: c.2005C>T, p.Arg669Cys (NM_000272.5); c.1648C>T, p.Arg550Cys (NM_001128179.3); c.1834C>T, p.Arg612Cys (NM_001374256.1); c.*79C>T (NM_001374257.1); c.2002C>T, p.Arg668Cys (NM_207181.4); short protein forms R669C, R613C, R668C, R550C, R612C.
Identifiers: ClinVar variation 500650 (VCV000500650.13), dbSNP rs543675502, ClinGen allele CA1826861.